The following is an entry in ClinVar:

ClinVar aggregate classification (germline): Uncertain significance (1 of 4 stars; one submission).

Submission:

CeGaT Center for Human Genetics Tuebingen
Classification: Uncertain significance. Last evaluated: 2026-08-01. Review status: criteria provided, single submitter. Criteria: CeGaT Center For Human Genetics Tuebingen Variant Classification Criteria Version 2. Collection method: clinical testing. Allele origin: germline. Affected: yes. Observed: 1 variant allele.
Comment: CAD: PM2, BP4

NM_004341.5(CAD):c.4728+6_4728+47del

Gene: CAD (carbamoyl-phosphate synthetase 2, aspartate transcarbamylase, and dihydroorotase; plus strand). Cytogenetic location: 2p23.3.
Variant type: Deletion.
Coding change: c.4728+6_4728+47del on transcript NM_004341.5 (MANE Select); bases 6 to 47 of the intron after coding-DNA position 4728, 42 bases deleted.
Molecular consequence: intron variant.
Genome position (GRCh38, 1-based): chr2:27,237,888-27,237,929, 42 bases deleted; deleting any 42 consecutive bases within chr2:27,237,886-27,237,929 gives the same sequence; the c. name uses the placement nearest the transcript's 3' end. GRCh37 (hg19): chr2:27,460,756-27,460,797.
Other names: c.4539+6_4539+47del (NM_001306079.2).
Identifiers: ClinVar variation 5040587 (VCV005040587.1).